The following is an entry in ClinVar:

NM_001323289.2(CDKL5):c.1671dup (p.Arg558fs)

Gene: CDKL5 (cyclin dependent kinase like 5; plus strand). Cytogenetic location: Xp22.13.
Variant type: Duplication.
Coding change: c.1671dup on transcript NM_001323289.2 (MANE Select); coding-DNA position 1671, one base duplicated (A; older notation c.1671dupA).
Protein change: p.Arg558fs; shifts the reading frame from arginine 558.
Molecular consequence: frameshift variant.
Genome position (GRCh38, 1-based): chrX:18,604,595, A duplicated. VCF-style (leftmost placement, unchanged base first): chrX-18604594-C-CA. GRCh37 (hg19) VCF-style: chrX-18622714-C-CA.
Other names: NM_001323289.2(CDKL5):c.1671dup; p.Arg558fs; c.1671dup, p.Arg558fs (NM_001037343.2, NM_003159.3); c.1671_1672insA (NM_003159.2); c.1671dup (NM_003159.2); short protein forms R558fs.
Identifiers: ClinVar variation 156643 (VCV000156643.5), dbSNP rs587783115, ClinGen allele CA294681.

ClinVar aggregate classification (germline): Pathogenic/Likely pathogenic. Review status: criteria provided, multiple submitters, no conflicts (2 of 4 stars). 3 submissions from 3 submitters: Pathogenic (2); Likely pathogenic (1). Last evaluated 2024-09-20.

Conditions:
CDKL5 disorder. Identifiers: MedGen CN296942, MONDO:0100039.
Developmental and epileptic encephalopathy, 2 (DEE2). Also called: INFANTILE SPASM SYNDROME, X-LINKED 2; CDKL5 deficiency disorder. Identifiers: Orphanet 1934, Orphanet 3451, Orphanet 505652, MedGen C4750718, MONDO:0010396, OMIM 300672.

Submissions (3):

Centre for Population Genomics, CPG
Classification: Pathogenic for CDKL5 disorder. Last evaluated: 2024-09-20. Review status: criteria provided, single submitter. Criteria: McKnight et al. (Hum Mutat. 2022). Collection method: curation. Allele origin: germline. Inheritance: X-linked inheritance.
Comment: This variant has been collected from RettBASE and curated to current modified ACMG/AMP criteria. Based on the classification scheme defined by the ClinGen Rett/Angelman-like Expert Panel for Rett/AS-like Disorders Specifications to the ACMG/AMP Variant Interpretation Guidelines VCEP 3.0, this variant is classified as pathogenic. At least the following criteria are met: Predicted to result in loss of function, and LOF is a known mechanism of disease (PVS1). This variant is absent from gnomAD v4 (PM2_Supporting). Has been observed in at least 2 individuals with phenotypes consistent with CDKL5 disorder (PS4_Supporting). PMID:25657822, Variation ID: 156643

Revvity Omics, Revvity
Classification: Likely pathogenic for Developmental and epileptic encephalopathy, 2. Last evaluated: 2022-11-04. Review status: criteria provided, single submitter. Criteria: ACMG Guidelines, 2015. Collection method: clinical testing. Allele origin: germline.

GeneDx
Classification: Pathogenic. Last evaluated: 2014-03-28. Review status: criteria provided, single submitter. Criteria: GeneDx Variant Classification (06012015). Collection method: clinical testing. Allele origin: germline. Affected: yes.
Comment: The c.1671_1672insA (aka c.1671dupA) mutation in the CDKL5 gene has been reported previously in association with CDKL5-related disorders (Fehr et al., 2013). The duplication causes a frameshift starting with codon Arginine 558, changes this amino acid to a Threonine residue and creates a premature Stop codon at position 9 of the new reading frame, denoted p.Arg558ThrfsX9. This mutation is predicted to cause loss of normal protein function either through protein truncation or nonsense-mediated mRNA decay. The variant is found in INFANT-EPI panel(s).